The following is an entry in ClinVar:

ClinVar aggregate classification (germline): Uncertain significance. Review status: criteria provided, multiple submitters, no conflicts (2 of 4 stars). 2 submissions from 2 submitters: Uncertain significance (2). Last evaluated 2024-12-20.

Conditions:
Inborn genetic diseases. Identifiers: MedGen C0950123, MeSH D030342.
Fanconi anemia (FA). Also called: Fanconi's anemia. Identifiers: Orphanet 84, MedGen C0015625, MeSH D005199, MONDO:0019391.

Allele frequency attached by ClinVar (database versions not stated): gnomAD 0.00001; gnomAD exomes 0.00001; ExAC 0.00002.
gnomAD v4.1: 15 of 1,613,324 alleles (0.00093%); highest among the groups gnomAD compares: Non-Finnish European, 0.0011%; no homozygotes.

Submissions (2):

Ambry Genetics
Classification: Uncertain significance for Inborn genetic diseases. Last evaluated: 2024-12-20. Review status: criteria provided, single submitter. Criteria: Ambry Variant Classification Scheme 2023. Collection method: clinical testing. Allele origin: germline.
Comment: The p.I585V variant (also known as c.1753A>G), located in coding exon 10 of the FANCM gene, results from an A to G substitution at nucleotide position 1753. The isoleucine at codon 585 is replaced by valine, an amino acid with highly similar properties. This amino acid position is conserved. In addition, this alteration is predicted to be tolerated by in silico analysis. Based on the available evidence, the clinical significance of this variant remains unclear.

Labcorp Genetics (formerly Invitae), Labcorp
Classification: Uncertain significance for Fanconi anemia. Last evaluated: 2021-07-29. Review status: criteria provided, single submitter. Criteria: Invitae Variant Classification Sherloc (09022015). Collection method: clinical testing. Allele origin: germline.
Comment: This variant is present in population databases (rs772284228, ExAC 0.003%). This variant has not been reported in the literature in individuals affected with FANCM-related conditions. This sequence change replaces isoleucine with valine at codon 585 of the FANCM protein (p.Ile585Val). The isoleucine residue is moderately conserved and there is a small physicochemical difference between isoleucine and valine. In summary, the available evidence is currently insufficient to determine the role of this variant in disease. Therefore, it has been classified as a Variant of Uncertain Significance. Algorithms developed to predict the effect of sequence changes on RNA splicing suggest that this variant may create or strengthen a splice site. Algorithms developed to predict the effect of missense changes on protein structure and function (SIFT, PolyPhen-2, Align-GVGD) all suggest that this variant is likely to be tolerated.

NM_020937.4(FANCM):c.1753A>G (p.Ile585Val)

Gene: FANCM (FA complementation group M; plus strand). Cytogenetic location: 14q21.2.
Variant type: single nucleotide variant.
Coding change: c.1753A>G on transcript NM_020937.4 (MANE Select); coding-DNA position 1753, A replaced by G.
Protein change: p.Ile585Val; replaces isoleucine 585 with valine.
Molecular consequence: missense variant.
Genome position (GRCh38, 1-based): chr14:45,164,530, A>G. VCF-style: chr14-45164530-A-G. GRCh37 (hg19) VCF-style: chr14-45633733-A-G.
Other names: c.1675A>G, p.Ile559Val (NM_001308133.2); c.1753A>G, p.Ile585Val (NM_001308134.2); c.1753A>G (NM_020937.2); short protein forms I559V, I585V.
Identifiers: ClinVar variation 1436359 (VCV001436359.7), dbSNP rs772284228, ClinGen allele CA7169142.
Genomic context (GRCh38, chr14:45,164,530, plus strand): 5'-AAGAGCCCAATTCGTCTTGTACAACGAATGGGTAGAACTGGCCGTAAACGTCAAGGCAGG[A>G]TAGTTATTATCCTTTCTGAAGGACGAGAGGAACGTGTAAGTAGAGCTGCAGAAACACAAT-3'
Protein context (NP_065988.1, residues 575-595): GRTGRKRQGR[Ile585Val]VIILSEGREE